The following is an entry in ClinVar:

NM_001364171.2(ODAD1):c.1097G>A (p.Arg366His)

Gene: ODAD1 (outer dynein arm docking complex subunit 1; minus strand). Cytogenetic location: 19q13.33.
Variant type: single nucleotide variant.
Coding change: c.1097G>A on transcript NM_001364171.2 (MANE Select); coding-DNA position 1097, G replaced by A.
Protein change: p.Arg366His; replaces arginine 366 with histidine.
Molecular consequence: missense variant.
Genome position (GRCh38, 1-based): chr19:48,302,837, C>T on the plus strand (G>A on the coding strand, the complement: ODAD1 is on the minus strand). VCF-style: chr19-48302837-C-T. GRCh37 (hg19) VCF-style: chr19-48806094-C-T.
Other names: c.986G>A, p.Arg329His (NM_144577.4); short protein forms R329H, R366H.
Identifiers: ClinVar variation 262510 (VCV000262510.18), dbSNP rs35361179, ClinGen allele CA9548817.

ClinVar aggregate classification (germline): Benign. Review status: criteria provided, multiple submitters, no conflicts (2 of 4 stars). 6 submissions from 6 submitters: Benign (6). Last evaluated 2026-02-03.

Conditions:
Primary ciliary dyskinesia. Also called: Ciliary dyskinesia. Identifiers: Orphanet 244, MedGen C0008780, MONDO:0016575, HP:0012265.

Allele frequency attached by ClinVar (database versions not stated): 1000 Genomes Project 0.01478; 1000 Genomes Project 30x 0.01671; gnomAD 0.02400 and 0.02467; ExAC 0.02414; TOPMed 0.02493; ESP Exome Variant Server 0.02730.
gnomAD v4.1: 52,916 of 1,613,962 alleles (3.3%); highest among the groups gnomAD compares: Non-Finnish European, 3.9%; 1,045 homozygotes.

Submissions (6):

Labcorp Genetics (formerly Invitae), Labcorp
Classification: Benign for Primary ciliary dyskinesia. Last evaluated: 2026-02-03. Review status: criteria provided, single submitter. Criteria: Invitae Variant Classification Sherloc (09022015). Collection method: clinical testing. Allele origin: germline.

Mayo Clinic Laboratories, Mayo Clinic
Classification: Benign. Last evaluated: 2023-10-11. Review status: criteria provided, single submitter. Criteria: ACMG Guidelines, 2015. Collection method: clinical testing. Allele origin: germline. Observed: 14 variant alleles.
Comment: BS1, BS2, BP4

GeneDx
Classification: Benign. Last evaluated: 2020-10-12. Review status: criteria provided, single submitter. Criteria: GeneDx Variant Classification Process June 2021. Collection method: clinical testing. Allele origin: germline. Affected: yes.

Ambry Genetics
Classification: Benign for Primary ciliary dyskinesia. Last evaluated: 2016-07-07. Review status: criteria provided, single submitter. Criteria: Ambry Variant Classification Scheme 2023. Collection method: clinical testing. Allele origin: germline.

Breakthrough Genomics
Classification: Benign. Review status: criteria provided, single submitter. Criteria: ACMG Guidelines, 2015. Collection method: not provided. Allele origin: germline. Inheritance: Autosomal recessive inheritance. Affected: yes.

PreventionGenetics, part of Exact Sciences
Classification: Benign. Review status: criteria provided, single submitter. Criteria: ACMG Guidelines, 2015. Collection method: clinical testing. Allele origin: germline.